The following is an entry in ClinVar:

ClinVar aggregate classification (germline): Uncertain significance (1 of 4 stars; one submission).

gnomAD v4.1: 2 of 1,614,126 alleles (0.00012%); highest among the groups gnomAD compares: Non-Finnish European, 0.00017%; no homozygotes.

Submission:

GeneDx
Classification: Uncertain significance. Last evaluated: 2024-11-11. Review status: criteria provided, single submitter. Criteria: GeneDx Variant Classification Process June 2021. Collection method: clinical testing. Allele origin: germline. Affected: yes.
Comment: Not observed at significant frequency in large population cohorts (gnomAD); In silico analysis indicates that this missense variant does not alter protein structure/function; Has not been previously published as pathogenic or benign to our knowledge

NM_021224.6(ZNF462):c.2404G>C (p.Gly802Arg)

Gene: ZNF462 (zinc finger protein 462; plus strand). Cytogenetic location: 9q31.2.
Variant type: single nucleotide variant.
Coding change: c.2404G>C on transcript NM_021224.6 (MANE Select); coding-DNA position 2404, G replaced by C.
Protein change: p.Gly802Arg; replaces glycine 802 with arginine.
Molecular consequence: missense variant.
Genome position (GRCh38, 1-based): chr9:106,926,316, G>C. VCF-style: chr9-106926316-G-C. GRCh37 (hg19) VCF-style: chr9-109688597-G-C.
Other names: c.2404G>C, p.Gly802Arg (NM_001347997.2); short protein forms G802R.
Identifiers: ClinVar variation 3898766 (VCV003898766.1).